The following is an entry in ClinVar:

NM_004287.5(GOSR2):c.3G>A (p.Met1Ile)

Genes: GOSR2 (golgi SNAP receptor complex member 2; plus strand), LRRC37A2 (leucine rich repeat containing 37 member A2). Cytogenetic location: 17q21.32.
Variant type: single nucleotide variant.
Coding change: c.3G>A on transcript NM_004287.5 (MANE Select); coding-DNA position 3, G replaced by A.
Protein change: p.Met1Ile; changes the start codon (methionine 1).
Molecular consequence: missense variant, initiator codon variant. On other transcripts: 5 prime UTR variant (2), non-coding transcript variant (3).
Genome position (GRCh38, 1-based): chr17:46,923,195, G>A. VCF-style: chr17-46923195-G-A. GRCh37 (hg19) VCF-style: chr17-45000561-G-A.
Other names: c.3G>A, p.Met1Ile (NM_001012511.3, NM_001321133.2, NM_001330252.2 and 4 more transcripts); c.-100G>A (NM_001321134.2); c.-463G>A (NM_001363851.2); short protein forms M1I.
Identifiers: ClinVar variation 1057885 (VCV001057885.9), dbSNP rs1174104260, ClinGen allele CA400015673.

ClinVar aggregate classification (germline): Uncertain significance (1 of 4 stars; one submission).

Conditions:
Progressive myoclonic epilepsy. Also called: Familial progressive myoclonic epilepsy; Myoclonus epilepsy; Progressive myoclonus epilepsy; Myoclonic Epilepsies, Progressive. Identifiers: Orphanet 308, Orphanet 98261, MedGen C0751778, MONDO:0020074.

gnomAD v4.1: 2 of 1,546,518 alleles (0.00013%); highest among the groups gnomAD compares: Admixed American, 0.002%; no homozygotes.

Submission:

Labcorp Genetics (formerly Invitae), Labcorp
Classification: Uncertain significance for Progressive myoclonic epilepsy. Last evaluated: 2020-01-20. Review status: criteria provided, single submitter. Criteria: Invitae Variant Classification Sherloc (09022015). Collection method: clinical testing. Allele origin: germline.
Comment: This variant has not been reported in the literature in individuals with GOSR2-related conditions. In summary, the available evidence is currently insufficient to determine the role of this variant in disease. Therefore, it has been classified as a Variant of Uncertain Significance. Algorithms developed to predict the effect of sequence changes on RNA splicing suggest that this variant may create or strengthen a splice site, but this prediction has not been confirmed by published transcriptional studies. This variant is not present in population databases (ExAC no frequency). This sequence change affects the initiator methionine of the GOSR2 mRNA. The next in-frame methionine is located at codon 19.